The following is an entry in ClinVar:

NM_000257.4(MYH7):c.4996G>A (p.Asp1666Asn)

Genes: MHRT (myosin heavy chain associated RNA transcript; plus strand), MYH7 (myosin heavy chain 7; minus strand), LOC126861897 (BRD4-independent group 4 enhancer GRCh37_chr14:23884455-23885654; plus strand). Cytogenetic location: 14q11.2.
Variant type: single nucleotide variant.
Coding change: c.4996G>A on transcript NM_000257.4 (MANE Select); coding-DNA position 4996, G replaced by A.
Protein change: p.Asp1666Asn; replaces aspartic acid 1666 with asparagine.
Molecular consequence: missense variant. On other transcripts: non-coding transcript variant (1).
Genome position (GRCh38, 1-based): chr14:23,415,790, C>T on the plus strand (G>A on the coding strand, the complement: MYH7 is on the minus strand). VCF-style: chr14-23415790-C-T. GRCh37 (hg19) VCF-style: chr14-23884999-C-T.
Other names: c.4996G>A (NM_000257.2); short protein forms D1666N.
Identifiers: ClinVar variation 638862 (VCV000638862.23), dbSNP rs747993770, ClinGen allele CA044679.

ClinVar aggregate classification (germline): Uncertain significance. Review status: criteria provided, multiple submitters, no conflicts (2 of 4 stars). 9 submissions from 9 submitters: Uncertain significance (7). 2 of the submissions do not count toward it. Last evaluated 2025-12-02.

Conditions:
Cardiovascular phenotype. Identifiers: MedGen CN230736.
Hypertrophic cardiomyopathy 1 (CMH1). Also called: MYH7-Related Familial Hypertrophic Cardiomyopathy; Familial hypertrophic cardiomyopathy 1. Identifiers: MedGen C3495498, MONDO:0008647, OMIM 192600.
Hypertrophic cardiomyopathy. Also called: HYPERTROPHIC MYOCARDIOPATHY. Identifiers: Orphanet 217569, MedGen C0007194, MeSH D002312, MONDO:0005045, HP:0001639.
Cardiomyopathy (CMYO). Also called: Cardiomyopathies. Identifiers: Orphanet 167848, MedGen C0878544, MONDO:0004994, HP:0001638. Inheritance: Various modes of inheritance.

Allele frequency attached by ClinVar (database versions not stated): ExAC 0.00001; gnomAD exomes 0.00001; gnomAD 0.00002; TOPMed 0.00002.
gnomAD v4.1: 13 of 1,614,088 alleles (0.00081%); highest among the groups gnomAD compares: Non-Finnish European, 0.0011%; no homozygotes.

Submissions (9):

Labcorp Genetics (formerly Invitae), Labcorp
Classification: Uncertain significance for Hypertrophic cardiomyopathy. Last evaluated: 2025-12-02. Review status: criteria provided, single submitter. Criteria: Invitae Variant Classification Sherloc (09022015). Collection method: clinical testing. Allele origin: germline.
Comment: This sequence change replaces aspartic acid, which is acidic and polar, with asparagine, which is neutral and polar, at codon 1666 of the MYH7 protein (p.Asp1666Asn). This variant is present in population databases (rs747993770, gnomAD 0.002%). This missense change has been observed in individual(s) with hypertrophic cardiomyopathy (PMID: 37652022). ClinVar contains an entry for this variant (Variation ID: 638862). Invitae Evidence Modeling of protein sequence and biophysical properties (such as structural, functional, and spatial information, amino acid conservation, physicochemical variation, residue mobility, and thermodynamic stability) indicates that this missense variant is expected to disrupt MYH7 protein function with a positive predictive value of 95%. In summary, the available evidence is currently insufficient to determine the role of this variant in disease. Therefore, it has been classified as a Variant of Uncertain Significance.

Victorian Clinical Genetics Services, Murdoch Childrens Research Institute
Classification: Uncertain significance for Hypertrophic cardiomyopathy 1. Last evaluated: 2025-11-26. Review status: criteria provided, single submitter. Criteria: ACMG Guidelines, 2015. Collection method: clinical testing. Allele origin: germline. Affected: yes.
Comment: This variant is classified as VUS-3B. Evidence in support of pathogenic classification: Variant is present in gnomAD <0.01 (v4: 13 heterozygote(s), 0 homozygote(s)). Additional information: Variant is predicted to result in a missense amino acid change from Asp to Asn; This variant is heterozygous; This gene is associated with both recessive and dominant disease. Disease associated with this gene usually has autosomal dominant inheritance; however, a recessive inheritance pattern has been observed in severe cases (OMIM); Alternative amino acid change(s) at the same position are present in gnomAD (highest allele count: v4: 5 heterozygote(s), 0 homozygote(s)); Previous evidence of pathogenicity for this variant is inconclusive. This variant has been classified as a VUS by clinical laboratories in ClinVar, and seen in two individuals from a HCM cohort in DECIPHER (PMID: 37652022). Additionally, it has been reported in the literature in an individual with HCM, who also had a pathogenic variant in ALPK3 (PMID: 39606411); No published evidence of segregation with disease has been identified for this variant; No published functional evidence has been identified for this variant; Another missense variant(s) comparable to the one identified in this case has inconclusive previous evidence for pathogenicity. p.(Asp1666Glu) has been classified as a VUS by clinical laboratories in ClinVar; Variant is located in the annotated myosin tail domain (DECIPHER); Missense variant with inconclusive in silico prediction and/or uninformative conservation; The mechanism of disease for this gene is not clearly established; however, missense variants have been proposed to act in a dominant negative manner (PMID: 24714796); The condition associated with this gene has incomplete penetrance (PMID: 29300372); Inheritance information for this variant is not currently available in this individual.

GeneDx
Classification: Uncertain significance. Last evaluated: 2025-05-07. Review status: criteria provided, single submitter. Criteria: GeneDx Variant Classification Process June 2021. Collection method: clinical testing. Allele origin: germline. Affected: yes.
Comment: Reported in an individual with apical HCM who also has a heterozygous truncating variant in the ALPK3 gene (PMID: 39606411); Not observed at significant frequency in large population cohorts (gnomAD); In silico analysis supports that this missense variant has a deleterious effect on protein structure/function; This variant is associated with the following publications: (PMID: 39606411, 37652022)

Blueprint Genetics
Classification: Uncertain significance. Last evaluated: 2024-04-15. Review status: criteria provided, single submitter. Criteria: ACMG Guidelines, 2015. Collection method: clinical testing. Allele origin: germline.

All of Us Research Program, National Institutes of Health
Classification: Uncertain significance for Cardiomyopathy. Last evaluated: 2024-02-05. Review status: criteria provided, single submitter. Criteria: ACMG Guidelines, 2015. Collection method: clinical testing. Allele origin: germline. Inheritance: Autosomal dominant inheritance. Observed: 2 variant alleles, 2 heterozygotes.
Comment: This missense variant replaces aspartic acid with asparagine at codon 1666 of the MYH7 protein. Computational prediction is inconclusive regarding the impact of this variant on protein structure and function (internally defined REVEL score threshold 0.5 < inconclusive < 0.7, PMID: 27666373). To our knowledge, functional studies have not been reported for this variant. This variant has not been reported in individuals affected with cardiovascular disorders in the literature. This variant has been identified in 2/251428 chromosomes in the general population by the Genome Aggregation Database (gnomAD). The available evidence is insufficient to determine the role of this variant in disease conclusively. Therefore, this variant is classified as a Variant of Uncertain Significance.

This study involves interpretation of variants in research participants for the purpose of population health screening. Participant phenotype was not available at the time of variant classification. Additional details can be found in publication PMID: 35346344, PMCID: PMC8962531

Color Diagnostics, LLC DBA Color Health
Classification: Uncertain significance for Cardiomyopathy. Last evaluated: 2023-12-04. Review status: criteria provided, single submitter. Criteria: ACMG Guidelines, 2015. Collection method: clinical testing. Allele origin: germline.
Comment: This missense variant replaces aspartic acid with asparagine at codon 1666 of the MYH7 protein. Computational prediction tools indicate that this variant's impact on protein structure and function is inconclusive. To our knowledge, functional studies have not been reported for this variant. This variant has not been reported in individuals affected with MYH7-related disorders in the literature. This variant has been identified in 2/251428 chromosomes in the general population by the Genome Aggregation Database (gnomAD). The available evidence is insufficient to determine the role of this variant in disease conclusively. Therefore, this variant is classified as a Variant of Uncertain Significance.

Ambry Genetics
Classification: Uncertain significance for Cardiovascular phenotype. Last evaluated: 2023-05-01. Review status: criteria provided, single submitter. Criteria: Ambry Variant Classification Scheme 2023. Collection method: clinical testing. Allele origin: germline.
Comment: The p.D1666N variant (also known as c.4996G>A), located in coding exon 33 of the MYH7 gene, results from a G to A substitution at nucleotide position 4996. The aspartic acid at codon 1666 is replaced by asparagine, an amino acid with highly similar properties. This amino acid position is highly conserved in available vertebrate species. In addition, this alteration is predicted to be tolerated by in silico analysis. Since supporting evidence is limited at this time, the clinical significance of this alteration remains unclear.

Diagnostic Laboratory, Department of Genetics, University Medical Center Groningen
Classification: Uncertain significance. Review status: no assertion criteria provided. Collection method: clinical testing. Allele origin: germline. Affected: yes. Study: VKGL Data-share Consensus. Not counted in ClinVar's aggregate classification.

Joint Genome Diagnostic Labs from Nijmegen and Maastricht, Radboudumc and MUMC+
Classification: Uncertain significance. Review status: no assertion criteria provided. Collection method: clinical testing. Allele origin: germline. Affected: yes. Study: VKGL Data-share Consensus. Not counted in ClinVar's aggregate classification.

Literature cited by the submitters: PubMed 37652022 (cited by Labcorp Genetics (formerly Invitae), Labcorp and Victorian Clinical Genetics Services, Murdoch Childrens Research Institute); PubMed 24714796 (cited by Victorian Clinical Genetics Services, Murdoch Childrens Research Institute); PubMed 39606411 (cited by Victorian Clinical Genetics Services, Murdoch Childrens Research Institute); PubMed 29300372 (cited by Victorian Clinical Genetics Services, Murdoch Childrens Research Institute).